The following is an entry in ClinVar:

ClinVar aggregate classification (germline): Pathogenic/Likely pathogenic. Review status: criteria provided, multiple submitters, no conflicts (2 of 4 stars). 2 submissions from 2 submitters: Pathogenic (1); Likely pathogenic (1). Last evaluated 2021-07-10.

Conditions:
Peroxisome biogenesis disorder 5A (Zellweger) (PBD5A). Identifiers: Orphanet 912, MedGen C3553940, MONDO:0013932, OMIM 614866.

Submissions (2):

Kariminejad - Najmabadi Pathology & Genetics Center
Classification: Likely pathogenic. Last evaluated: 2021-07-10. Review status: criteria provided, single submitter. Criteria: ACMG Guidelines, 2015. Collection method: clinical testing. Allele origin: germline.

Labcorp Genetics (formerly Invitae), Labcorp
Classification: Pathogenic for Peroxisome biogenesis disorder 5A (Zellweger). Last evaluated: 2021-01-26. Review status: criteria provided, single submitter. Criteria: Invitae Variant Classification Sherloc (09022015). Collection method: clinical testing. Allele origin: germline.
Comment: This variant has not been reported in the literature in individuals with PEX2-related conditions. For these reasons, this variant has been classified as Pathogenic. This variant disrupts the C-terminus of the PEX2 protein. Other variant(s) that disrupt this region (p.Arg184Valfs*8) have been determined to be pathogenic (Invitae). This suggests that variants that disrupt this region of the protein are likely to be causative of disease. This variant is not present in population databases (ExAC no frequency). This sequence change creates a premature translational stop signal (p.Leu49*) in the PEX2 gene. While this is not anticipated to result in nonsense mediated decay, it is expected to disrupt the last 257 amino acid(s) of the PEX2 protein.

NM_000318.3(PEX2):c.146del (p.Leu48_Leu49insTer)

Gene: PEX2 (peroxisomal biogenesis factor 2; minus strand). Cytogenetic location: 8q21.13.
Variant type: Deletion.
Coding change: c.146del on transcript NM_000318.3 (MANE Select); coding-DNA position 146, one base deleted (T; older notation c.146delT).
Protein change: p.Leu48_Leu49insTer.
Molecular consequence: nonsense.
Genome position (GRCh38, 1-based): chr8:76,984,033, A deleted on the plus strand (T on the coding strand, the reverse complement: PEX2 is on the minus strand); the first of 2 consecutive A bases (chr8:76,984,033-76,984,034); deleting either gives the same sequence. VCF-style (leftmost placement, unchanged base first): chr8-76984032-TA-T. GRCh37 (hg19) VCF-style: chr8-77896268-TA-T.
Other names: c.146del, p.Leu48_Leu49insTer (NM_001079867.2, NM_001172086.2, NM_001172087.2); c.146delT (NM_001172087.2).
Identifiers: ClinVar variation 1180750 (VCV001180750.9), dbSNP rs2132044757, ClinGen allele CA2573053055.
Genomic context (GRCh38, chr8:76,984,032, plus strand): 5'-GATGGTGAATCTCCACAAGAAAACCCATAAGCACGCTTTCACCTCTGGCTCAAAGCGAGC[TA>T]ACAGCCCAGGTTTAAATCCATGAAAGCACTGAGTAAACTGGGACCAAACTAGCTGCTCCA-3'